The following is an entry in ClinVar:

ClinVar aggregate classification (germline): Uncertain significance (1 of 4 stars; one submission).

Allele frequency attached by ClinVar (database versions not stated): 1000 Genomes Project 0.00020; TOPMed 0.00026; gnomAD exomes 0.00008; gnomAD 0.00028; 1000 Genomes Project 30x 0.00016; ESP Exome Variant Server 0.00015; ExAC 0.00017.

Submission:

Labcorp Genetics (formerly Invitae), Labcorp
Classification: Uncertain significance. Last evaluated: 2023-11-06. Review status: criteria provided, single submitter. Criteria: Invitae Variant Classification Sherloc (09022015). Collection method: clinical testing. Allele origin: germline.
Comment: This sequence change replaces arginine, which is basic and polar, with histidine, which is basic and polar, at codon 489 of the PIDD1 protein (p.Arg489His). This variant is present in population databases (rs370400383, gnomAD 0.2%). This variant has not been reported in the literature in individuals affected with PIDD1-related conditions. ClinVar contains an entry for this variant (Variation ID: 2075393). An algorithm developed to predict the effect of missense changes on protein structure and function (PolyPhen-2) suggests that this variant is likely to be tolerated. In summary, the available evidence is currently insufficient to determine the role of this variant in disease. Therefore, it has been classified as a Variant of Uncertain Significance.

NM_145886.4(PIDD1):c.1466G>A (p.Arg489His)

Gene: PIDD1 (p53-induced death domain protein 1; minus strand). Cytogenetic location: 11p15.5.
Variant type: single nucleotide variant.
Coding change: c.1466G>A on transcript NM_145886.4 (MANE Select); coding-DNA position 1466, G replaced by A.
Protein change: p.Arg489His; replaces arginine 489 with histidine.
Molecular consequence: missense variant.
Genome position (GRCh38, 1-based): chr11:801,461, C>T on the plus strand (G>A on the coding strand, the complement: PIDD1 is on the minus strand). VCF-style: chr11-801461-C-T. GRCh37 (hg19) VCF-style: chr11-801461-C-T.
Other names: c.1466G>A, p.Arg489His (NM_145887.4); short protein forms R489H.
Identifiers: ClinVar variation 2075393 (VCV002075393.4), dbSNP rs370400383, ClinGen allele CA5790004.